The following is an entry in ClinVar:

ClinVar aggregate classification (germline): Likely benign. Review status: criteria provided, multiple submitters, no conflicts (2 of 4 stars). 4 submissions from 4 submitters: Likely benign (3). 1 of the submissions does not count toward it. Last evaluated 2025-06-09.

Conditions:
Inborn genetic diseases. Identifiers: MedGen C0950123, MeSH D030342.
Combined immunodeficiency due to LRBA deficiency. Also called: Common variable immunodeficiency 8, with autoimmunity. Identifiers: Orphanet 445018, MedGen C3553512, MONDO:0013863, OMIM 614700.
LRBA-related disorder. Also called: LRBA-related condition.

gnomAD v4.1: 4 of 1,608,086 alleles (0.00025%); highest among the groups gnomAD compares: Admixed American, 0.005%; no homozygotes.

Submissions (4):

Labcorp Genetics (formerly Invitae), Labcorp
Classification: Likely benign for Combined immunodeficiency due to LRBA deficiency. Last evaluated: 2025-06-09. Review status: criteria provided, single submitter. Criteria: Invitae Variant Classification Sherloc (09022015). Collection method: clinical testing. Allele origin: germline.

Ambry Genetics
Classification: Likely benign for Inborn genetic diseases. Last evaluated: 2025-04-02. Review status: criteria provided, single submitter. Criteria: Ambry Variant Classification Scheme 2023. Collection method: clinical testing. Allele origin: germline.

Breakthrough Genomics
Classification: Likely benign. Review status: criteria provided, single submitter. Criteria: ACMG Guidelines, 2015. Collection method: not provided. Allele origin: germline. Inheritance: Autosomal recessive inheritance. Affected: yes.

PreventionGenetics, part of Exact Sciences
Classification: Likely benign for LRBA-related condition. Last evaluated: 2023-06-23. Review status: no assertion criteria provided. Collection method: clinical testing. Allele origin: germline. Not counted in ClinVar's aggregate classification.
Comment: This variant is classified as likely benign based on ACMG/AMP sequence variant interpretation guidelines (Richards et al. 2015 PMID: 25741868, with internal and published modifications).

NM_001364905.1(LRBA):c.7887C>G (p.Val2629=)

Gene: LRBA (LPS responsive beige-like anchor protein; minus strand). Cytogenetic location: 4q31.3.
Variant type: single nucleotide variant.
Coding change: c.7887C>G on transcript NM_001364905.1 (MANE Select); coding-DNA position 7887, C replaced by G.
Protein change: p.Val2629=; no amino-acid change (valine 2629 retained).
Molecular consequence: synonymous variant.
Genome position (GRCh38, 1-based): chr4:150,302,755, G>C on the plus strand (C>G on the coding strand, the complement: LRBA is on the minus strand). VCF-style: chr4-150302755-G-C. GRCh37 (hg19) VCF-style: chr4-151223907-G-C.
Other names: c.7887C>G, p.Val2629= (NM_001199282.3); c.7902C>G, p.Val2634= (NM_001367550.1); c.7920C>G, p.Val2640= (NM_006726.5).
Identifiers: ClinVar variation 1116598 (VCV001116598.13), dbSNP rs138897796, ClinGen allele CA3101496.